The following is an entry in ClinVar:

ClinVar aggregate classification (germline): Uncertain significance (1 of 4 stars; one submission).

Submission:

Labcorp Genetics (formerly Invitae), Labcorp
Classification: Uncertain significance. Last evaluated: 2021-03-24. Review status: criteria provided, single submitter. Criteria: Invitae Variant Classification Sherloc (09022015). Collection method: clinical testing. Allele origin: germline.
Comment: In summary, the available evidence is currently insufficient to determine the role of this variant in disease. Therefore, it has been classified as a Variant of Uncertain Significance. Algorithms developed to predict the effect of missense changes on protein structure and function are either unavailable or do not agree on the potential impact of this missense change (SIFT: "Deleterious"; PolyPhen-2: "Possibly Damaging"; Align-GVGD: "Class C0"). This variant has not been reported in the literature in individuals with SZT2-related conditions. This variant is not present in population databases (ExAC no frequency). This sequence change replaces serine with arginine at codon 1801 of the SZT2 protein (p.Ser1801Arg). The serine residue is highly conserved and there is a moderate physicochemical difference between serine and arginine.

NM_001365999.1(SZT2):c.5574T>G (p.Ser1858Arg)

Gene: SZT2 (SZT2 subunit of KICSTOR complex; plus strand). Cytogenetic location: 1p34.2.
Variant type: single nucleotide variant.
Coding change: c.5574T>G on transcript NM_001365999.1 (MANE Select); coding-DNA position 5574, T replaced by G.
Protein change: p.Ser1858Arg; replaces serine 1858 with arginine.
Molecular consequence: missense variant.
Genome position (GRCh38, 1-based): chr1:43,432,771, T>G. VCF-style: chr1-43432771-T-G. GRCh37 (hg19) VCF-style: chr1-43898442-T-G.
Other names: c.5403T>G, p.Ser1801Arg (NM_015284.4); short protein forms S1801R, S1858R.
Identifiers: ClinVar variation 1353115 (VCV001353115.8), dbSNP rs2153934240, ClinGen allele CA340025715.
Genomic context (GRCh38, chr1:43,432,771, plus strand): 5'-TTTCCTTCTCTATCCAGGGAGTCAGCCTGGGCCCAGCCGGGGATTAAGTCTCATGTCCAG[T>G]CAGGGCAGTGTGGACTCAGACCACCTAGGTAAGCTGGGGGGACGGGGTGAAGGACTCTAA-3'
Protein context (NP_001352928.1, residues 1848-1868): GPSRGLSLMS[Ser1858Arg]QGSVDSDHLG